The following is an entry in ClinVar:

ClinVar aggregate classification (germline): Uncertain significance. Review status: criteria provided, multiple submitters, no conflicts (2 of 4 stars). 2 submissions from 2 submitters: Uncertain significance (2). Last evaluated 2022-12-15.

Conditions:
Usher syndrome type 2A. Also called: USHER SYNDROME, TYPE IIA; RETINAL DISEASE IN USHER SYNDROME TYPE IIA, MODIFIER OF. Identifiers: Orphanet 231178, Orphanet 886, MedGen C1848634, MONDO:0010169, OMIM 276901.

Allele frequency attached by ClinVar (database versions not stated): gnomAD 0.00001; TOPMed 0.00002.
gnomAD v4.1: 2 of 1,611,100 alleles (0.00012%); highest among the groups gnomAD compares: African/African-American, 0.0027%; no homozygotes.

Submissions (2):

Laboratorio de Genetica e Diagnostico Molecular, Hospital Israelita Albert Einstein
Classification: Uncertain significance for Usher syndrome type 2A. Last evaluated: 2022-12-15. Review status: criteria provided, single submitter. Criteria: ACMG Guidelines, 2015. Collection method: clinical testing. Allele origin: germline. Affected: yes. Observed: 1 variant allele.
Comment: ACMG classification criteria: PM2 moderated, BP4 supporting

Blueprint Genetics
Classification: Uncertain significance. Last evaluated: 2019-07-29. Review status: criteria provided, single submitter. Criteria: ACMG Guidelines, 2015. Collection method: clinical testing. Allele origin: germline.

NM_206933.4(USH2A):c.11450C>T (p.Thr3817Ile)

Gene: USH2A (usherin; minus strand). Cytogenetic location: 1q41.
Variant type: single nucleotide variant.
Coding change: c.11450C>T on transcript NM_206933.4 (MANE Select); coding-DNA position 11450, C replaced by T.
Protein change: p.Thr3817Ile; replaces threonine 3817 with isoleucine.
Molecular consequence: missense variant.
Genome position (GRCh38, 1-based): chr1:215,743,275, G>A on the plus strand (C>T on the coding strand, the complement: USH2A is on the minus strand). VCF-style: chr1-215743275-G-A. GRCh37 (hg19) VCF-style: chr1-215916617-G-A.
Other names: short protein forms T3817I.
Identifiers: ClinVar variation 2431798 (VCV002431798.2), dbSNP rs1177066787, ClinGen allele CA344835212.